The following is an entry in ClinVar:

ClinVar aggregate classification (germline): Uncertain significance (1 of 4 stars; one submission).

Submission:

GeneDx
Classification: Uncertain significance. Last evaluated: 2024-05-06. Review status: criteria provided, single submitter. Criteria: GeneDx Variant Classification Process June 2021. Collection method: clinical testing. Allele origin: germline. Affected: yes.
Comment: Not observed at significant frequency in large population cohorts (gnomAD); In silico analysis indicates that this missense variant does not alter protein structure/function; Has not been previously published as pathogenic or benign to our knowledge

NM_018489.3(ASH1L):c.7357T>G (p.Ser2453Ala)

Gene: ASH1L (ASH1 like histone lysine methyltransferase; minus strand). Cytogenetic location: 1q22.
Variant type: single nucleotide variant.
Coding change: c.7357T>G on transcript NM_018489.3 (MANE Select); coding-DNA position 7357, T replaced by G.
Protein change: p.Ser2453Ala; replaces serine 2453 with alanine.
Molecular consequence: missense variant.
Genome position (GRCh38, 1-based): chr1:155,352,715, A>C on the plus strand (T>G on the coding strand, the complement: ASH1L is on the minus strand). VCF-style: chr1-155352715-A-C. GRCh37 (hg19) VCF-style: chr1-155322506-A-C.
Other names: c.7372T>G, p.Ser2458Ala (NM_001366177.2); short protein forms S2453A, S2458A.
Identifiers: ClinVar variation 3375545 (VCV003375545.1).